The following is an entry in ClinVar:

ClinVar aggregate classification (germline): Likely benign (1 of 4 stars; one submission).

Conditions:
Generalized epilepsy-paroxysmal dyskinesia syndrome (PNKD3). Also called: Paroxysmal nonkinesigenic dyskinesia, 3, with or without generalized epilepsy; Generalized epilepsy and paroxysmal dyskinesia. Identifiers: Orphanet 79137, MedGen C5574945, MONDO:0012276, OMIM 609446.

Allele frequency attached by ClinVar (database versions not stated): TOPMed 0.00870; 1000 Genomes Project 0.01178; 1000 Genomes Project 30x 0.01280.
gnomAD v4.1: 1,865 of 985,414 alleles (0.19%); highest among the groups gnomAD compares: African/African-American, 2.9%; 32 homozygotes.

Submission:

Illumina Laboratory Services, Illumina
Classification: Likely benign for Generalized epilepsy-paroxysmal dyskinesia syndrome. Last evaluated: 2018-01-12. Review status: criteria provided, single submitter. Criteria: ICSL Variant Classification Criteria 13 December 2019. Collection method: clinical testing. Allele origin: germline.
Comment: This variant was observed in the ICSL laboratory as part of a predisposition screen in an ostensibly healthy population. It had not been previously curated by ICSL or reported in the Human Gene Mutation Database (HGMD: prior to June 1st, 2018), and was therefore a candidate for classification through an automated scoring system. Utilizing variant allele frequency, disease prevalence and penetrance estimates, and inheritance mode, an automated score was calculated to assess if this variant is too frequent to cause the disease. Based on the score and internal cut-off values, a variant classified as likely benign is not then subjected to further curation. The score for this variant resulted in a classification of likely benign for this disease.

NM_001161352.2(KCNMA1):c.*1288A>T

Gene: KCNMA1 (potassium calcium-activated channel subfamily M alpha 1; minus strand). Cytogenetic location: 10q22.3.
Variant type: single nucleotide variant.
Coding change: c.*1288A>T on transcript NM_001161352.2 (MANE Select); 1288 bases downstream of the stop codon, A replaced by T.
Molecular consequence: 3 prime UTR variant. On other transcripts: intron variant (7).
Genome position (GRCh38, 1-based): chr10:76,885,978, T>A on the plus strand (A>T on the coding strand, the complement: KCNMA1 is on the minus strand). VCF-style: chr10-76885978-T-A. GRCh37 (hg19) VCF-style: chr10-78645736-T-A.
Other names: c.*1288A>T (NM_001161353.2, NM_001271519.2, NM_001322836.2 and 2 more transcripts); c.3362+1313A>T (NM_001271518.2); c.3512+1313A>T (NM_001322832.2); c.3521+1313A>T (NM_001322829.2); c.3524+1313A>T (NM_001014797.3); c.3605+1313A>T (NM_001322835.2); c.3614+1313A>T (NM_001322830.2); c.3059+1313A>T (NM_001322838.2).
Identifiers: ClinVar variation 300934 (VCV000300934.5), dbSNP rs78082918, ClinGen allele CA10636468.
Genomic context (GRCh38, chr10:76,885,978, plus strand): 5'-TCTCATAATGACAAGGAGCAGCTCTCTATTGCCGTCATTACCCTGCCTAAATTGGCTACA[T>A]TAAAGAAAGTGATGATGAGGAATTCCTTCCCACCAGCTTTCTGCATTGGGACAGCCAGCA-3'